The following is an entry in ClinVar:

ClinVar aggregate classification (germline): Conflicting classifications of pathogenicity. Review status: criteria provided, conflicting classifications (1 of 4 stars). 3 submissions from 3 submitters: Uncertain significance (1); Likely benign (1). 1 of the submissions does not count toward it. Last evaluated 2023-06-27.

Conditions:
PRKDC-related disorder. Also called: PRKDC-related condition.
Severe combined immunodeficiency due to DNA-PKcs deficiency. Also called: IMMUNODEFICIENCY 26 WITH NEUROLOGIC ABNORMALITIES; Immunodeficiency 26 with or without neurologic abnormalities. Identifiers: Orphanet 317425, MedGen C4014833, MONDO:0014423, OMIM 615966.

Allele frequency attached by ClinVar (database versions not stated): gnomAD 0.00001; gnomAD exomes 0.00001 and 0.00004; TOPMed 0.00004; ExAC 0.00005.
gnomAD v4.1: 26 of 1,509,540 alleles (0.0017%); highest among the groups gnomAD compares: Middle Eastern, 0.017%; no homozygotes.

Submissions (3):

Blueprint Genetics
Classification: Likely benign. Last evaluated: 2023-06-27. Review status: criteria provided, single submitter. Criteria: ACMG Guidelines, 2015. Collection method: clinical testing. Allele origin: germline.

Labcorp Genetics (formerly Invitae), Labcorp
Classification: Uncertain significance for Severe combined immunodeficiency due to DNA-PKcs deficiency. Last evaluated: 2022-09-13. Review status: criteria provided, single submitter. Criteria: Invitae Variant Classification Sherloc (09022015). Collection method: clinical testing. Allele origin: germline.
Comment: This sequence change falls in intron 14 of the PRKDC gene. It does not directly change the encoded amino acid sequence of the PRKDC protein. It affects a nucleotide within the consensus splice site. This variant is present in population databases (rs746423489, gnomAD 0.008%). This variant has not been reported in the literature in individuals affected with PRKDC-related conditions. ClinVar contains an entry for this variant (Variation ID: 957608). Variants that disrupt the consensus splice site are a relatively common cause of aberrant splicing (PMID: 17576681, 9536098). Algorithms developed to predict the effect of sequence changes on RNA splicing suggest that this variant is not likely to affect RNA splicing. In summary, the available evidence is currently insufficient to determine the role of this variant in disease. Therefore, it has been classified as a Variant of Uncertain Significance.

PreventionGenetics, part of Exact Sciences
Classification: Likely benign for PRKDC-related condition. Last evaluated: 2023-12-06. Review status: no assertion criteria provided. Collection method: clinical testing. Allele origin: germline. Not counted in ClinVar's aggregate classification.
Comment: This variant is classified as likely benign based on ACMG/AMP sequence variant interpretation guidelines (Richards et al. 2015 PMID: 25741868, with internal and published modifications).

Literature cited by the submitters: PubMed 17576681 (cited by Labcorp Genetics (formerly Invitae), Labcorp); PubMed 9536098 (cited by Labcorp Genetics (formerly Invitae), Labcorp).

NM_006904.7(PRKDC):c.1497+5A>C

Gene: PRKDC (protein kinase, DNA-activated, catalytic subunit; minus strand). Cytogenetic location: 8q11.21.
Variant type: single nucleotide variant.
Coding change: c.1497+5A>C on transcript NM_006904.7 (MANE Select); 5 bases into the intron after coding-DNA position 1497, A replaced by C.
Molecular consequence: intron variant.
Genome position (GRCh38, 1-based): chr8:47,935,004, T>G on the plus strand (A>C on the coding strand, the complement: PRKDC is on the minus strand). VCF-style: chr8-47935004-T-G. GRCh37 (hg19) VCF-style: chr8-48847564-T-G.
Other names: c.1497+5A>C (NM_001081640.2).
Identifiers: ClinVar variation 957608 (VCV000957608.7), dbSNP rs746423489, ClinGen allele CA4741720.